The following is an entry in ClinVar:

NM_000059.4(BRCA2):c.3678dup (p.Leu1227fs)

Gene: BRCA2 (BRCA2 DNA repair associated; plus strand). Cytogenetic location: 13q13.1.
Variant type: Duplication.
Coding change: c.3678dup on transcript NM_000059.4 (MANE Select); coding-DNA position 3678, one base duplicated (A; older notation c.3678dupA).
Protein change: p.Leu1227fs; shifts the reading frame from leucine 1227.
Molecular consequence: frameshift variant.
Genome position (GRCh38, 1-based): chr13:32,338,033, A duplicated; the last of 4 consecutive A bases (chr13:32,338,030-32,338,033); duplicating any one gives the same sequence. VCF-style (leftmost placement, unchanged base first): chr13-32338029-C-CA. GRCh37 (hg19) VCF-style: chr13-32912166-C-CA.
Other names: c.3678dupA (NM_000059.3); short protein forms L1227fs.
Identifiers: ClinVar variation 491253 (VCV000491253.5), dbSNP rs1555283351, ClinGen allele CA658683867.

ClinVar aggregate classification (germline): Pathogenic. Review status: criteria provided, multiple submitters, no conflicts (2 of 4 stars). 2 submissions from 2 submitters: Pathogenic (2). Last evaluated 2020-05-21.

Conditions:
Hereditary cancer-predisposing syndrome. Also called: Hereditary neoplastic syndrome; Tumor predisposition; Hereditary Cancer Syndrome; Neoplastic Syndromes, Hereditary. Identifiers: Orphanet 140162, MedGen C0027672, MeSH D009386, MONDO:0015356.

Submissions (2):

Color Diagnostics, LLC DBA Color Health
Classification: Pathogenic for Hereditary cancer-predisposing syndrome. Last evaluated: 2020-05-21. Review status: criteria provided, single submitter. Criteria: ACMG Guidelines, 2015. Collection method: clinical testing. Allele origin: germline.
Comment: This variant inserts 1 nucleotide in exon 11 of the BRCA2 gene, creating a frameshift and premature translation stop signal. This variant is expected to result in an absent or non-functional protein product. To our knowledge, this variant has not been reported in individuals affected with hereditary cancer in the literature. This variant has not been identified in the general population by the Genome Aggregation Database (gnomAD). Loss of BRCA2 function is a known mechanism of disease. Based on the available evidence, this variant is classified as Pathogenic.

Ambry Genetics
Classification: Pathogenic for Hereditary cancer-predisposing syndrome. Last evaluated: 2017-07-12. Review status: criteria provided, single submitter. Criteria: Ambry Variant Classification Scheme 2023. Collection method: clinical testing. Allele origin: germline.
Comment: The c.3678dupA pathogenic mutation, located in coding exon 10 of the BRCA2 gene, results from a duplication of A at nucleotide position 3678, causing a translational frameshift with a predicted alternate stop codon (p.L1227Tfs*6). This alteration is expected to result in loss of function by premature protein truncation or nonsense-mediated mRNA decay. As such, this alteration is interpreted as a disease-causing mutation.